The following is an entry in ClinVar:

ClinVar aggregate classification (germline): Uncertain significance (1 of 4 stars; one submission).

Conditions:
Cranioectodermal dysplasia 1 (CED1). Also called: LEVIN SYNDROME I. Identifiers: Orphanet 1515, MedGen C0432235, MONDO:0021093, OMIM 218330.

Allele frequency attached by ClinVar (database versions not stated): TOPMed below 0.00001.

Submission:

Labcorp Genetics (formerly Invitae), Labcorp
Classification: Uncertain significance for Cranioectodermal dysplasia 1. Last evaluated: 2022-01-16. Review status: criteria provided, single submitter. Criteria: Invitae Variant Classification Sherloc (09022015). Collection method: clinical testing. Allele origin: germline.
Comment: This sequence change replaces glutamine, which is neutral and polar, with glutamic acid, which is acidic and polar, at codon 686 of the IFT122 protein (p.Gln686Glu). This variant is not present in population databases (gnomAD no frequency). In summary, the available evidence is currently insufficient to determine the role of this variant in disease. Therefore, it has been classified as a Variant of Uncertain Significance. Algorithms developed to predict the effect of missense changes on protein structure and function are either unavailable or do not agree on the potential impact of this missense change (SIFT: "Deleterious"; PolyPhen-2: "Benign"; Align-GVGD: "Class C0"). This variant has not been reported in the literature in individuals affected with IFT122-related conditions.

NM_052989.3(IFT122):c.1903C>G (p.Gln635Glu)

Gene: IFT122 (intraflagellar transport 122; plus strand). Cytogenetic location: 3q21.3.
Variant type: single nucleotide variant.
Coding change: c.1903C>G on transcript NM_052989.3 (MANE Select); coding-DNA position 1903, C replaced by G.
Protein change: p.Gln635Glu; replaces glutamine 635 with glutamic acid.
Molecular consequence: missense variant.
Genome position (GRCh38, 1-based): chr3:129,488,308, C>G. VCF-style: chr3-129488308-C-G. GRCh37 (hg19) VCF-style: chr3-129207151-C-G.
Other names: c.1879C>G, p.Gln627Glu (NM_001280541.2); c.1453C>G, p.Gln485Glu (NM_001280545.2); c.1276C>G, p.Gln426Glu (NM_001280546.2); c.1903C>G, p.Gln635Glu (NM_001410808.1, NM_001410809.1); c.1726C>G, p.Gln576Glu (NM_001410810.1, NM_001410811.1, NM_001410813.1 and 1 more transcripts); c.1570C>G, p.Gln524Glu (NM_001410815.1, NM_001410817.1, NM_052990.3); c.2056C>G, p.Gln686Glu (NM_052985.4); short protein forms Q576E, Q627E, Q485E, Q686E, Q426E, Q524E, Q635E.
Identifiers: ClinVar variation 2086439 (VCV002086439.4), dbSNP rs2079567244, ClinGen allele CA354478240.